The following is an entry in ClinVar:

NM_005585.5(SMAD6):c.341G>A (p.Gly114Asp)

Gene: SMAD6 (SMAD family member 6; plus strand). Cytogenetic location: 15q22.31.
Variant type: single nucleotide variant.
Coding change: c.341G>A on transcript NM_005585.5 (MANE Select); coding-DNA position 341, G replaced by A.
Protein change: p.Gly114Asp; replaces glycine 114 with aspartic acid.
Molecular consequence: missense variant. On other transcripts: non-coding transcript variant (1).
Genome position (GRCh38, 1-based): chr15:66,703,599, G>A. VCF-style: chr15-66703599-G-A. GRCh37 (hg19) VCF-style: chr15-66995937-G-A.
Other names: short protein forms G114D.
Identifiers: ClinVar variation 1731249 (VCV001731249.2), dbSNP rs2140581352, ClinGen allele CA392949332.
Genomic context (GRCh38, chr15:66,703,599, plus strand): 5'-CGGAGCCAGGGGCCGGCGCTGGGAGCTCCCTGCTGGACGTGGCGGAGCCGGGAGGCCCGG[G>A]CTGGCTGCCCGAGAGTGACTGCGAGACGGTGACCTGCTGTCTCTTTTCGGAGCGGGACGC-3'
Protein context (NP_005576.3, residues 104-124): LLDVAEPGGP[Gly114Asp]WLPESDCETV

ClinVar aggregate classification (germline): Uncertain significance (1 of 4 stars; one submission).

Conditions:
Inborn genetic diseases. Identifiers: MedGen C0950123, MeSH D030342.

Allele frequency attached by ClinVar (database versions not stated): gnomAD exomes below 0.00001.
gnomAD v4.1: 6 of 1,228,160 alleles (0.00049%); highest among the groups gnomAD compares: Middle Eastern, 0.032%; 1 homozygote.

Submission:

Ambry Genetics
Classification: Uncertain significance for Inborn genetic diseases. Last evaluated: 2023-11-28. Review status: criteria provided, single submitter. Criteria: Ambry Variant Classification Scheme 2023. Collection method: clinical testing. Allele origin: germline.
Comment: The p.G114D variant (also known as c.341G>A), located in coding exon 1 of the SMAD6 gene, results from a G to A substitution at nucleotide position 341. The glycine at codon 114 is replaced by aspartic acid, an amino acid with similar properties. This amino acid position is conserved. In addition, this alteration is predicted to be tolerated by in silico analysis. Since supporting evidence is limited at this time, the clinical significance of this alteration remains unclear.